The following is an entry in ClinVar:

NM_019892.6(INPP5E):c.291A>G (p.Arg97=)

Gene: INPP5E (inositol polyphosphate-5-phosphatase E; minus strand). Cytogenetic location: 9q34.3.
Variant type: single nucleotide variant.
Coding change: c.291A>G on transcript NM_019892.6 (MANE Select); coding-DNA position 291, A replaced by G.
Protein change: p.Arg97=; no amino-acid change (arginine 97 retained).
Molecular consequence: synonymous variant.
Genome position (GRCh38, 1-based): chr9:136,439,129, T>C on the plus strand (A>G on the coding strand, the complement: INPP5E is on the minus strand). VCF-style: chr9-136439129-T-C. GRCh37 (hg19) VCF-style: chr9-139333581-T-C.
Other names: c.291A>G, p.Arg97= (NM_001318502.2).
Identifiers: ClinVar variation 3356433 (VCV003356433.3).

ClinVar aggregate classification (germline): Likely benign. Review status: criteria provided, single submitter (1 of 4 stars). 2 submissions from 2 submitters: Likely benign (1). 1 of the submissions does not count toward it. Last evaluated 2024-03-13.

Conditions:
INPP5E-related disorder. Also called: INPP5E-related condition.
Joubert syndrome. Also called: JOUBERT-BOLTSHAUSER SYNDROME; CEREBELLOPARENCHYMAL DISORDER IV; Familial aplasia of the vermis. Identifiers: Orphanet 475, MedGen C5979921, MONDO:0018772.

Submissions (2):

Labcorp Genetics (formerly Invitae), Labcorp
Classification: Likely benign for Joubert syndrome. Last evaluated: 2024-03-13. Review status: criteria provided, single submitter. Criteria: Invitae Variant Classification Sherloc (09022015). Collection method: clinical testing. Allele origin: germline.

PreventionGenetics, part of Exact Sciences
Classification: Likely benign for INPP5E-related condition. Last evaluated: 2023-09-10. Review status: no assertion criteria provided. Collection method: clinical testing. Allele origin: germline. Not counted in ClinVar's aggregate classification.
Comment: This variant is classified as likely benign based on ACMG/AMP sequence variant interpretation guidelines (Richards et al. 2015 PMID: 25741868, with internal and published modifications).